The following is an entry in ClinVar:

NM_144997.7(FLCN):c.831T>C (p.Ala277=)

Gene: FLCN (folliculin; minus strand). Cytogenetic location: 17p11.2.
Variant type: single nucleotide variant.
Coding change: c.831T>C on transcript NM_144997.7 (MANE Select); coding-DNA position 831, T replaced by C.
Protein change: p.Ala277=; no amino-acid change (alanine 277 retained).
Molecular consequence: synonymous variant.
Genome position (GRCh38, 1-based): chr17:17,221,577, A>G on the plus strand (T>C on the coding strand, the complement: FLCN is on the minus strand). VCF-style: chr17-17221577-A-G. GRCh37 (hg19) VCF-style: chr17-17124891-A-G.
Other names: c.885T>C, p.Ala295= (NM_001353229.2); c.831T>C, p.Ala277= (NM_001353230.2, NM_001353231.2, NM_144606.7).
Identifiers: ClinVar variation 1762923 (VCV001762923.3), dbSNP rs2047091046, ClinGen allele CA498163745.

ClinVar aggregate classification (germline): Benign/Likely benign. Review status: criteria provided, multiple submitters, no conflicts (2 of 4 stars). 2 submissions from 2 submitters: Benign (1); Likely benign (1). Last evaluated 2024-10-23.

Conditions:
Birt-Hogg-Dube syndrome 1 (BHD1). Also called: FIBROFOLLICULOMAS WITH TRICHODISCOMAS AND ACROCHORDONS. Identifiers: Orphanet 122, MedGen CN375946, MONDO:0800445, OMIM 135150.
Hereditary cancer-predisposing syndrome. Also called: Neoplastic Syndromes, Hereditary; Tumor predisposition; Hereditary Cancer Syndrome; Hereditary neoplastic syndrome. Identifiers: Orphanet 140162, MedGen C0027672, MeSH D009386, MONDO:0015356.

gnomAD v4.1: 1 of 1,611,658 alleles (0.000062%); highest among the groups gnomAD compares: Non-Finnish European, 0.000085%; no homozygotes.

Submissions (2):

Myriad Genetics, Inc.
Classification: Benign for Birt-Hogg-Dube syndrome 1. Last evaluated: 2024-10-23. Review status: criteria provided, single submitter. Criteria: Myriad Autosomal Dominant, Autosomal Recessive and X-Linked Classification Criteria (2023). Collection method: clinical testing. Allele origin: unknown.
Comment: This variant is considered benign. This variant is a silent/synonymous amino acid change and it is not expected to impact splicing.

Ambry Genetics
Classification: Likely benign for Hereditary cancer-predisposing syndrome. Last evaluated: 2020-07-28. Review status: criteria provided, single submitter. Criteria: Ambry Variant Classification Scheme 2023. Collection method: clinical testing. Allele origin: germline.